The following is an entry in ClinVar:

ClinVar aggregate classification (germline): Uncertain significance (1 of 4 stars; one submission).

Submission:

Labcorp Genetics (formerly Invitae), Labcorp
Classification: Uncertain significance. Last evaluated: 2023-06-23. Review status: criteria provided, single submitter. Criteria: Invitae Variant Classification Sherloc (09022015). Collection method: clinical testing. Allele origin: germline.
Comment: In summary, the available evidence is currently insufficient to determine the role of this variant in disease. Therefore, it has been classified as a Variant of Uncertain Significance. An algorithm developed to predict the effect of missense changes on protein structure and function (PolyPhen-2) suggests that this variant is likely to be disruptive. This variant has not been reported in the literature in individuals affected with MECOM-related conditions. This variant is not present in population databases (gnomAD no frequency). This sequence change replaces glycine, which is neutral and non-polar, with valine, which is neutral and non-polar, at codon 800 of the MECOM protein (p.Gly800Val).

NM_004991.4(MECOM):c.2963G>T (p.Gly988Val)

Gene: MECOM (MDS1 and EVI1 complex locus; minus strand). Cytogenetic location: 3q26.2.
Variant type: single nucleotide variant.
Coding change: c.2963G>T on transcript NM_004991.4 (MANE Select); coding-DNA position 2963, G replaced by T.
Protein change: p.Gly988Val; replaces glycine 988 with valine.
Molecular consequence: missense variant.
Genome position (GRCh38, 1-based): chr3:169,095,132, C>A on the plus strand (G>T on the coding strand, the complement: MECOM is on the minus strand). VCF-style: chr3-169095132-C-A. GRCh37 (hg19) VCF-style: chr3-168812920-C-A.
Other names: c.2594G>T, p.Gly865Val (NM_001105077.4); c.2399G>T, p.Gly800Val (NM_001105078.4, NM_001205194.2, NM_001366469.2 and 1 more transcripts); c.2375G>T, p.Gly792Val (NM_001163999.2, NM_001366470.2); c.2372G>T, p.Gly791Val (NM_001164000.2, NM_001366471.2, NM_001366472.2); c.2936G>T, p.Gly979Val (NM_001366466.2); c.2402G>T, p.Gly801Val (NM_001366467.2, NM_001366468.2); c.1964G>T, p.Gly655Val (NM_001366473.2); c.1400G>T, p.Gly467Val (NM_001366474.2); short protein forms G467V, G655V, G792V, G801V, G800V, G988V, G791V, G865V.
Identifiers: ClinVar variation 2726429 (VCV002726429.3), dbSNP rs1320058225, ClinGen allele CA355073525.